The following is an entry in ClinVar:

ClinVar aggregate classification (germline): Benign/Likely benign. Review status: criteria provided, multiple submitters, no conflicts (2 of 4 stars). 5 submissions from 5 submitters: Benign (2); Likely benign (2). 1 of the submissions does not count toward it. Last evaluated 2026-08-01.

Conditions:
Inborn genetic diseases. Identifiers: MedGen C0950123, MeSH D030342.
ZSWIM6-related disorder. Also called: ZSWIM6-related condition.

Submissions (5):

CeGaT Center for Human Genetics Tuebingen
Classification: Benign. Last evaluated: 2026-08-01. Review status: criteria provided, single submitter. Criteria: CeGaT Center For Human Genetics Tuebingen Variant Classification Criteria Version 2. Collection method: clinical testing. Allele origin: germline. Affected: yes. Observed: 4 variant alleles.
Comment: ZSWIM6: BS1, BS2

Laboratory of Genetics, Children's Clinical University Hospital Latvia
Classification: Likely benign. Last evaluated: 2025-02-16. Review status: criteria provided, single submitter. Criteria: ACMG Guidelines, 2015. Collection method: clinical testing. Allele origin: germline. Affected: yes.

Blueprint Genetics
Classification: Likely benign. Last evaluated: 2024-11-04. Review status: criteria provided, single submitter. Criteria: ACMG Guidelines, 2015. Collection method: clinical testing. Allele origin: germline.

Ambry Genetics
Classification: Benign for Inborn genetic diseases. Last evaluated: 2022-06-06. Review status: criteria provided, single submitter. Criteria: Ambry Variant Classification Scheme 2023. Collection method: clinical testing. Allele origin: germline.

PreventionGenetics, part of Exact Sciences
Classification: Likely benign for ZSWIM6-related condition. Last evaluated: 2020-10-30. Review status: no assertion criteria provided. Collection method: clinical testing. Allele origin: germline. Not counted in ClinVar's aggregate classification.
Comment: This variant is classified as likely benign based on ACMG/AMP sequence variant interpretation guidelines (Richards et al. 2015 PMID: 25741868, with internal and published modifications).

NM_020928.2(ZSWIM6):c.522CGC[11] (p.Ala184_Gly185insAla)

Gene: ZSWIM6 (zinc finger SWIM-type containing 6; plus strand). Cytogenetic location: 5q12.1.
Variant type: Microsatellite.
Coding change: c.522CGC[11] on transcript NM_020928.2 (MANE Select); 11 copies in a row of the 3-base unit CGC starting at c.522; the reference has ten copies in a row; one copy, 3 bases duplicated.
Protein change: p.Ala184_Gly185insAla.
Molecular consequence: inframe insertion.
Genome position (GRCh38, 1-based): chr5:61,332,821-61,332,823, CGC duplicated; duplicating any 3 consecutive bases within chr5:61,332,792-61,332,823 gives the same sequence; the position shown is the placement nearest the transcript's 3' end. VCF-style (leftmost placement, unchanged base first): chr5-61332791-T-TGCC. GRCh37 (hg19) VCF-style: chr5-60628618-T-TGCC.
Other names: c.549_551dupCGC (NM_020928.1).
Identifiers: ClinVar variation 1695128 (VCV001695128.37), dbSNP rs1262946696, ClinGen allele CA444674127.